The following is an entry in ClinVar:

NM_006648.4(WNK2):c.5179G>T (p.Gly1727Trp)

Gene: WNK2 (WNK lysine deficient protein kinase 2; plus strand). Cytogenetic location: 9q22.31.
Variant type: single nucleotide variant.
Coding change: c.5179G>T on transcript NM_006648.4 (MANE Select); coding-DNA position 5179, G replaced by T.
Protein change: p.Gly1727Trp; replaces glycine 1727 with tryptophan.
Molecular consequence: missense variant.
Genome position (GRCh38, 1-based): chr9:93,292,644, G>T. VCF-style: chr9-93292644-G-T. GRCh37 (hg19) VCF-style: chr9-96054926-G-T.
Other names: c.5290G>T, p.Gly1764Trp (NM_001282394.3); short protein forms G1764W, G1727W.
Identifiers: ClinVar variation 3816608 (VCV003816608.1).
Genomic context (GRCh38, chr9:93,292,644, plus strand): 5'-GACATGGGCACAGTGGGGGGCCAGGCTAGCCACCCCCAGACACTCGGCGCTCGAGCTTTG[G>T]GGTCCCCTCGGAAACGTCCAGAGCAGCAGGATGTCAGCTCACCAGCCAAGACTGTGGGCC-3'
Protein context (NP_006639.3, residues 1717-1737): HPQTLGARAL[Gly1727Trp]SPRKRPEQQD

ClinVar aggregate classification (germline): Uncertain significance (1 of 4 stars; one submission).

Submission:

Ambry Genetics
Classification: Uncertain significance. Last evaluated: 2024-12-22. Review status: criteria provided, single submitter. Criteria: Ambry Variant Classification Scheme 2023. Collection method: clinical testing. Allele origin: germline.
Comment: The p.G1727W variant (also known as c.5179G>T), located in coding exon 22 of the WNK2 gene, results from a G to T substitution at nucleotide position 5179. The glycine at codon 1727 is replaced by tryptophan, an amino acid with highly dissimilar properties. This amino acid position is conserved. In addition, the in silico prediction for this alteration is inconclusive. Based on the available evidence, the clinical significance of this variant remains unclear.